The following is an entry in ClinVar:

ClinVar aggregate classification (germline): Uncertain significance (1 of 4 stars; one submission).

Conditions:
Hereditary spastic paraplegia 47. Also called: Spastic paraplegia 47, autosomal recessive; adaptor protein 4 (AP-4) deficiency syndrome; CEREBRAL PALSY, SPASTIC QUADRIPLEGIC, 5. Identifiers: Orphanet 280763, MedGen C3279738, MONDO:0013551, OMIM 614066.

gnomAD v4.1: 1 of 1,614,214 alleles (0.000062%); highest among the groups gnomAD compares: Non-Finnish European, 0.000085%; no homozygotes.

Submission:

Labcorp Genetics (formerly Invitae), Labcorp
Classification: Uncertain significance for Hereditary spastic paraplegia 47. Last evaluated: 2023-04-24. Review status: criteria provided, single submitter. Criteria: Invitae Variant Classification Sherloc (09022015). Collection method: clinical testing. Allele origin: germline.
Comment: In summary, the available evidence is currently insufficient to determine the role of this variant in disease. Therefore, it has been classified as a Variant of Uncertain Significance. Advanced modeling of protein sequence and biophysical properties (such as structural, functional, and spatial information, amino acid conservation, physicochemical variation, residue mobility, and thermodynamic stability) performed at Invitae indicates that this missense variant is not expected to disrupt AP4B1 protein function. ClinVar contains an entry for this variant (Variation ID: 1715820). This variant has not been reported in the literature in individuals affected with AP4B1-related conditions. This variant is not present in population databases (gnomAD no frequency). This sequence change replaces asparagine, which is neutral and polar, with tyrosine, which is neutral and polar, at codon 149 of the AP4B1 protein (p.Asn149Tyr).

NM_001253852.3(AP4B1):c.445A>T (p.Asn149Tyr)

Gene: AP4B1 (adaptor related protein complex 4 subunit beta 1; minus strand). Cytogenetic location: 1p13.2.
Variant type: single nucleotide variant.
Coding change: c.445A>T on transcript NM_001253852.3 (MANE Select); coding-DNA position 445, A replaced by T.
Protein change: p.Asn149Tyr; replaces asparagine 149 with tyrosine.
Molecular consequence: missense variant. On other transcripts: intron variant (1).
Genome position (GRCh38, 1-based): chr1:113,901,779, T>A on the plus strand (A>T on the coding strand, the complement: AP4B1 is on the minus strand). VCF-style: chr1-113901779-T-A. GRCh37 (hg19) VCF-style: chr1-114444401-T-A.
Other names: c.148A>T, p.Asn50Tyr (NM_001253853.3); c.445A>T, p.Asn149Tyr (NM_006594.5); c.114-1379A>T (NM_001308312.2); short protein forms N149Y, N50Y.
Identifiers: ClinVar variation 1715820 (VCV001715820.5), dbSNP rs910482842, ClinGen allele CA28972785.